The following is an entry in ClinVar:

ClinVar aggregate classification (germline): Likely benign (0 of 4 stars; one submission).

Conditions:
KAT2B-related disorder. Also called: KAT2B-related condition.

Allele frequency attached by ClinVar (database versions not stated): 1000 Genomes Project 30x 0.00016; TOPMed 0.00087; gnomAD 0.00100; gnomAD exomes 0.00148; ExAC 0.00480.

Submission:

PreventionGenetics, part of Exact Sciences
Classification: Likely benign for KAT2B-related condition. Last evaluated: 2022-04-20. Review status: no assertion criteria provided. Collection method: clinical testing. Allele origin: germline.
Comment: This variant is classified as likely benign based on ACMG/AMP sequence variant interpretation guidelines (Richards et al. 2015 PMID: 25741868, with internal and published modifications).

NM_003884.5(KAT2B):c.185G>A (p.Gly62Asp)

Gene: KAT2B (lysine acetyltransferase 2B; plus strand). Cytogenetic location: 3p24.3.
Variant type: single nucleotide variant.
Coding change: c.185G>A on transcript NM_003884.5 (MANE Select); coding-DNA position 185, G replaced by A.
Protein change: p.Gly62Asp; replaces glycine 62 with aspartic acid.
Molecular consequence: missense variant.
Genome position (GRCh38, 1-based): chr3:20,040,662, G>A. VCF-style: chr3-20040662-G-A. GRCh37 (hg19) VCF-style: chr3-20082154-G-A.
Other names: short protein forms G62D.
Identifiers: ClinVar variation 3035151 (VCV003035151.2), dbSNP rs201810024, ClinGen allele CA2284279.
Genomic context (GRCh38, chr3:20,040,662, plus strand): 5'-GCGCCGCTGCCGCCGGGGGCTCGGGCGCCTGCGGTCCGGCGACGGCAGTGGCTGCAGCGG[G>A]CACGGCCGAAGGACCGGGAGGCGGTGGCTCGGCCCGAATCGCCGTGAAGAAAGCGCAACT-3'
Protein context (NP_003875.3, residues 52-72): CGPATAVAAA[Gly62Asp]TAEGPGGGGS